The following is an entry in ClinVar:

ClinVar aggregate classification (germline): Likely pathogenic. Review status: criteria provided, single submitter (1 of 4 stars). 2 submissions from 2 submitters: Likely pathogenic (1). 1 of the submissions does not count toward it. Last evaluated 2026-02-01.

Conditions:
Fanconi anemia complementation group A (FANCA). Also called: Fanconi anemia, group A; FANCA-Related Fanconi Anemia. Identifiers: Orphanet 84, MedGen C3469521, MONDO:0009215, OMIM 227650.
Fanconi anemia (FA). Also called: Fanconi's anemia. Identifiers: Orphanet 84, MedGen C0015625, MeSH D005199, MONDO:0019391.

Submissions (2):

Labcorp Genetics (formerly Invitae), Labcorp
Classification: Likely pathogenic for Fanconi anemia. Last evaluated: 2026-02-01. Review status: criteria provided, single submitter. Criteria: Invitae Variant Classification Sherloc (09022015). Collection method: clinical testing. Allele origin: germline.
Comment: This sequence change affects an acceptor splice site in intron 22 of the FANCA gene. It is expected to disrupt RNA splicing. Variants that disrupt the donor or acceptor splice site typically lead to a loss of protein function (PMID: 16199547), and loss-of-function variants in FANCA are known to be pathogenic (PMID: 19367192). This variant is not present in population databases (gnomAD no frequency). Disruption of this splice site has been observed in individual(s) with Fanconi anemia (PMID: 15643609). ClinVar contains an entry for this variant (Variation ID: 556111). Algorithms developed to predict the effect of sequence changes on RNA splicing suggest that this variant may disrupt the consensus splice site. In summary, the currently available evidence indicates that the variant is pathogenic, but additional data are needed to prove that conclusively. Therefore, this variant has been classified as Likely Pathogenic.

Counsyl
Classification: Likely pathogenic for Fanconi anemia complementation group A. Last evaluated: 2018-01-12. Review status: no assertion criteria provided. Collection method: clinical testing. Allele origin: unknown. Not counted in ClinVar's aggregate classification.

Literature cited by the submitters: PubMed 16199547 (cited by Labcorp Genetics (formerly Invitae), Labcorp); PubMed 19367192 (cited by Labcorp Genetics (formerly Invitae), Labcorp); PubMed 15643609 (cited by Labcorp Genetics (formerly Invitae), Labcorp).

NM_000135.4(FANCA):c.2015-1G>A

Gene: FANCA (FA complementation group A; minus strand). Cytogenetic location: 16q24.3.
Variant type: single nucleotide variant.
Coding change: c.2015-1G>A on transcript NM_000135.4 (MANE Select); the canonical splice acceptor site of the intron before coding-DNA position 2015, G replaced by A.
Molecular consequence: splice acceptor variant.
Genome position (GRCh38, 1-based): chr16:89,771,815, C>T on the plus strand (G>A on the coding strand, the complement: FANCA is on the minus strand). VCF-style: chr16-89771815-C-T. GRCh37 (hg19) VCF-style: chr16-89838223-C-T.
Other names: c.2015-1G>A (NM_001286167.3).
Identifiers: ClinVar variation 556111 (VCV000556111.3), dbSNP rs1555548632, ClinGen allele CA397448771.
Genomic context (GRCh38, chr16:89,771,815, plus strand): 5'-CATTGTGGCCCAGGACAGCCCTCAGTCTTTCAGAAATCACTGCCACCTGTGCCGATATAA[C>T]TGCGAAGGAAGAAACTAGTTAGGGATGACAAGAACCCCGAAAGGAGGGATACAGCTGCGG-3'